The following is an entry in ClinVar:

ClinVar aggregate classification (germline): Uncertain significance. Review status: criteria provided, multiple submitters, no conflicts (2 of 4 stars). 2 submissions from 2 submitters: Uncertain significance (2). Last evaluated 2021-09-24.

Allele frequency attached by ClinVar (database versions not stated): gnomAD 0.00001; gnomAD exomes 0.00001; TOPMed 0.00002.

Submissions (2):

Labcorp Genetics (formerly Invitae), Labcorp
Classification: Uncertain significance. Last evaluated: 2021-09-24. Review status: criteria provided, single submitter. Criteria: Invitae Variant Classification Sherloc (09022015). Collection method: clinical testing. Allele origin: germline.
Comment: This sequence change replaces glutamic acid with alanine at codon 714 of the FAM161A protein (p.Glu714Ala). The glutamic acid residue is moderately conserved and there is a moderate physicochemical difference between glutamic acid and alanine. This variant is not present in population databases (ExAC no frequency). This variant has not been reported in the literature in individuals with FAM161A-related conditions. Algorithms developed to predict the effect of missense changes on protein structure and function are either unavailable or do not agree on the potential impact of this missense change (SIFT: "Tolerated"; PolyPhen-2: "Not Available"; Align-GVGD: "Class C0"). In summary, the available evidence is currently insufficient to determine the role of this variant in disease. Therefore, it has been classified as a Variant of Uncertain Significance.

Blueprint Genetics
Classification: Uncertain significance. Last evaluated: 2019-10-29. Review status: criteria provided, single submitter. Criteria: ACMG Guidelines, 2015. Collection method: clinical testing. Allele origin: germline.

NM_001201543.2(FAM161A):c.2141A>C (p.Glu714Ala)

Gene: FAM161A (FAM161 centrosomal protein A; minus strand). Cytogenetic location: 2p15.
Variant type: single nucleotide variant.
Coding change: c.2141A>C on transcript NM_001201543.2 (MANE Select); coding-DNA position 2141, A replaced by C.
Protein change: p.Glu714Ala; replaces glutamic acid 714 with alanine.
Molecular consequence: missense variant. On other transcripts: non-coding transcript variant (1).
Genome position (GRCh38, 1-based): chr2:61,826,465, T>G on the plus strand (A>C on the coding strand, the complement: FAM161A is on the minus strand). VCF-style: chr2-61826465-T-G. GRCh37 (hg19) VCF-style: chr2-62053600-T-G.
Other names: c.1973A>C, p.Glu658Ala (NM_032180.3); short protein forms E714A, E658A.
Identifiers: ClinVar variation 1357231 (VCV001357231.6), dbSNP rs1186369022, ClinGen allele CA346983957.
Genomic context (GRCh38, chr2:61,826,465, plus strand): 5'-CCCTGACGCTGCAAACAACAGCAAGGGCATAGAGAGGAGACCTTGATGATTCAGTGTGAT[T>G]CTTCAACAGATTTCTCTTCTTCACTTTCCTCATTGGCTTCATCTTTTTCCTTGTAAGAAT-3'
Protein context (NP_001188472.1, residues 704-716): EESEEEKSVE[Glu714Ala]SH